The following is an entry in ClinVar:

ClinVar aggregate classification (germline): Uncertain significance (1 of 4 stars; one submission).

Submission:

Ambry Genetics
Classification: Uncertain significance. Last evaluated: 2024-10-13. Review status: criteria provided, single submitter. Criteria: Ambry Variant Classification Scheme 2023. Collection method: clinical testing. Allele origin: germline.
Comment: The p.M540T variant (also known as c.1619T>C), located in coding exon 15 of the PRKDC gene, results from a T to C substitution at nucleotide position 1619. The methionine at codon 540 is replaced by threonine, an amino acid with similar properties. This amino acid position is conserved. In addition, this alteration is predicted to be tolerated by in silico analysis. Based on the available evidence, the clinical significance of this variant remains unclear.

NM_006904.7(PRKDC):c.1619T>C (p.Met540Thr)

Gene: PRKDC (protein kinase, DNA-activated, catalytic subunit; minus strand). Cytogenetic location: 8q11.21.
Variant type: single nucleotide variant.
Coding change: c.1619T>C on transcript NM_006904.7 (MANE Select); coding-DNA position 1619, T replaced by C.
Protein change: p.Met540Thr; replaces methionine 540 with threonine.
Molecular consequence: missense variant.
Genome position (GRCh38, 1-based): chr8:47,933,969, A>G on the plus strand (T>C on the coding strand, the complement: PRKDC is on the minus strand). VCF-style: chr8-47933969-A-G. GRCh37 (hg19) VCF-style: chr8-48846529-A-G.
Other names: c.1619T>C, p.Met540Thr (NM_001081640.2); short protein forms M540T.
Identifiers: ClinVar variation 3425354 (VCV003425354.1).